The following is an entry in ClinVar:

ClinVar aggregate classification (germline): Uncertain significance. Review status: criteria provided, multiple submitters, no conflicts (2 of 4 stars). 2 submissions from 2 submitters: Uncertain significance (2). Last evaluated 2026-01-06.

Conditions:
Mitochondrial complex II deficiency, nuclear type 1. Also called: SUCCINATE CoQ REDUCTASE DEFICIENCY. Identifiers: Orphanet 3208, MedGen C5700310, MONDO:0100294, OMIM 252011.
Pheochromocytoma/paraganglioma syndrome 5. Also called: Paragangliomas 5; SDHA-Related Hereditary Paraganglioma-Pheochromocytoma Syndrome. Identifiers: Orphanet 29072, MedGen C3279992, MONDO:0013602, OMIM 614165.
Hereditary cancer-predisposing syndrome. Also called: Neoplastic Syndromes, Hereditary; Tumor predisposition; Hereditary neoplastic syndrome; Hereditary Cancer Syndrome. Identifiers: Orphanet 140162, MedGen C0027672, MeSH D009386, MONDO:0015356.

Allele frequency attached by ClinVar (database versions not stated): ExAC 0.00001; gnomAD exomes 0.00001 and 0.00002.
gnomAD v4.1: 12 of 1,614,064 alleles (0.00074%); highest among the groups gnomAD compares: East Asian, 0.027%; no homozygotes.

Submissions (2):

Labcorp Genetics (formerly Invitae), Labcorp
Classification: Uncertain significance for Pheochromocytoma/paraganglioma syndrome 5; Mitochondrial complex II deficiency, nuclear type 1. Last evaluated: 2026-01-06. Review status: criteria provided, single submitter. Criteria: Invitae Variant Classification Sherloc (09022015). Collection method: clinical testing. Allele origin: germline.
Comment: This sequence change replaces threonine, which is neutral and polar, with isoleucine, which is neutral and non-polar, at codon 386 of the SDHA protein (p.Thr386Ile). This variant is present in population databases (rs773218958, gnomAD 0.01%). This variant has not been reported in the literature in individuals affected with SDHA-related conditions. ClinVar contains an entry for this variant (Variation ID: 539659). Invitae Evidence Modeling of protein sequence and biophysical properties (such as structural, functional, and spatial information, amino acid conservation, physicochemical variation, residue mobility, and thermodynamic stability) indicates that this missense variant is not expected to disrupt SDHA protein function with a negative predictive value of 95%. In summary, the available evidence is currently insufficient to determine the role of this variant in disease. Therefore, it has been classified as a Variant of Uncertain Significance.

Ambry Genetics
Classification: Uncertain significance for Hereditary cancer-predisposing syndrome. Last evaluated: 2025-08-04. Review status: criteria provided, single submitter. Criteria: Ambry Variant Classification Scheme 2023. Collection method: clinical testing. Allele origin: germline.
Comment: The p.T386I variant (also known as c.1157C>T), located in coding exon 9 of the SDHA gene, results from a C to T substitution at nucleotide position 1157. The threonine at codon 386 is replaced by isoleucine, an amino acid with similar properties. This amino acid position is highly conserved in available vertebrate species. In addition, this alteration is predicted to be deleterious by in silico analysis. Since supporting evidence is limited at this time, the clinical significance of this alteration remains unclear.

NM_004168.4(SDHA):c.1157C>T (p.Thr386Ile)

Gene: SDHA (succinate dehydrogenase complex flavoprotein subunit A; plus strand). Cytogenetic location: 5p15.33.
Variant type: single nucleotide variant.
Coding change: c.1157C>T on transcript NM_004168.4 (MANE Select); coding-DNA position 1157, C replaced by T.
Protein change: p.Thr386Ile; replaces threonine 386 with isoleucine.
Molecular consequence: missense variant.
Genome position (GRCh38, 1-based): chr5:235,236, C>T. VCF-style: chr5-235236-C-T. GRCh37 (hg19) VCF-style: chr5-235351-C-T.
Other names: c.1157C>T (NM_004168.2); c.1013C>T, p.Thr338Ile (NM_001294332.2); c.1157C>T, p.Thr386Ile (NM_001330758.2); short protein forms T386I, T338I.
Identifiers: ClinVar variation 539659 (VCV000539659.11), dbSNP rs773218958, ClinGen allele CA3173124.